The following is an entry in ClinVar:

ClinVar aggregate classification (germline): Uncertain significance (1 of 4 stars; one submission).

Conditions:
Bloom syndrome (BLM). Also called: Bloom-Torre-Machacek syndrome. Identifiers: Orphanet 125, MedGen C0005859, MONDO:0008876, OMIM 210900.

Allele frequency attached by ClinVar (database versions not stated): gnomAD exomes below 0.00001.
gnomAD v4.1: 2 of 1,614,198 alleles (0.00012%); highest among the groups gnomAD compares: African/African-American, 0.0013%; no homozygotes.

Submission:

Labcorp Genetics (formerly Invitae), Labcorp
Classification: Uncertain significance for Bloom syndrome. Last evaluated: 2025-05-15. Review status: criteria provided, single submitter. Criteria: Invitae Variant Classification Sherloc (09022015). Collection method: clinical testing. Allele origin: germline.
Comment: This sequence change replaces asparagine, which is neutral and polar, with aspartic acid, which is acidic and polar, at codon 249 of the BLM protein (p.Asn249Asp). This variant is present in population databases (no rsID available, gnomAD 0.0009%). This variant has not been reported in the literature in individuals affected with BLM-related conditions. ClinVar contains an entry for this variant (Variation ID: 2043238). An algorithm developed to predict the effect of missense changes on protein structure and function outputs the following: PolyPhen-2: "Benign". The aspartic acid amino acid residue is found in multiple mammalian species, which suggests that this missense change does not adversely affect protein function. In summary, the available evidence is currently insufficient to determine the role of this variant in disease. Therefore, it has been classified as a Variant of Uncertain Significance.

NM_000057.4(BLM):c.745A>G (p.Asn249Asp)

Gene: BLM (BLM RecQ like helicase; plus strand). Cytogenetic location: 15q26.1.
Variant type: single nucleotide variant.
Coding change: c.745A>G on transcript NM_000057.4 (MANE Select); coding-DNA position 745, A replaced by G.
Protein change: p.Asn249Asp; replaces asparagine 249 with aspartic acid.
Molecular consequence: missense variant. On other transcripts: 5 prime UTR variant (1).
Genome position (GRCh38, 1-based): chr15:90,750,013, A>G. VCF-style: chr15-90750013-A-G. GRCh37 (hg19) VCF-style: chr15-91293243-A-G.
Other names: c.745A>G, p.Asn249Asp (NM_001287246.2, NM_001287247.2); c.-547A>G (NM_001287248.2); short protein forms N249D.
Identifiers: ClinVar variation 2043238 (VCV002043238.4), dbSNP rs1349320132, ClinGen allele CA393841463.